The following is an entry in ClinVar:

NM_001037333.3(CYFIP2):c.2856A>G (p.Ile952Met)

Gene: CYFIP2 (cytoplasmic FMR1 interacting protein 2; plus strand). Cytogenetic location: 5q33.3.
Variant type: single nucleotide variant.
Coding change: c.2856A>G on transcript NM_001037333.3 (MANE Select); coding-DNA position 2856, A replaced by G.
Protein change: p.Ile952Met; replaces isoleucine 952 with methionine.
Molecular consequence: missense variant.
Genome position (GRCh38, 1-based): chr5:157,360,320, A>G. VCF-style: chr5-157360320-A-G. GRCh37 (hg19) VCF-style: chr5-156787328-A-G.
Other names: c.2778A>G, p.Ile926Met (NM_001291721.2); c.2931A>G, p.Ile977Met (NM_001291722.2); c.2856A>G, p.Ile952Met (NM_014376.4); short protein forms I926M, I952M, I977M.
Identifiers: ClinVar variation 2836401 (VCV002836401.3), dbSNP rs2532573868, ClinGen allele CA361977302.

ClinVar aggregate classification (germline): Uncertain significance (1 of 4 stars; one submission).

Submission:

Labcorp Genetics (formerly Invitae), Labcorp
Classification: Uncertain significance. Last evaluated: 2023-11-27. Review status: criteria provided, single submitter. Criteria: Invitae Variant Classification Sherloc (09022015). Collection method: clinical testing. Allele origin: germline.
Comment: This sequence change replaces isoleucine, which is neutral and non-polar, with methionine, which is neutral and non-polar, at codon 952 of the CYFIP2 protein (p.Ile952Met). This variant is not present in population databases (gnomAD no frequency). This variant has not been reported in the literature in individuals affected with CYFIP2-related conditions. Experimental studies and prediction algorithms are not available or were not evaluated, and the functional significance of this variant is currently unknown. In summary, the available evidence is currently insufficient to determine the role of this variant in disease. Therefore, it has been classified as a Variant of Uncertain Significance.